The following is an entry in ClinVar:

ClinVar aggregate classification (germline): Uncertain significance (1 of 4 stars; one submission).

Allele frequency attached by ClinVar (database versions not stated): TOPMed below 0.00001.

Submission:

GeneDx
Classification: Uncertain significance. Last evaluated: 2022-12-27. Review status: criteria provided, single submitter. Criteria: GeneDx Variant Classification Process June 2021. Collection method: clinical testing. Allele origin: germline. Affected: yes.
Comment: Not observed at significant frequency in large population cohorts (gnomAD); In silico analysis supports that this missense variant has a deleterious effect on protein structure/function; Has not been previously published as pathogenic or benign to our knowledge

NM_000540.3(RYR1):c.10306A>G (p.Arg3436Gly)

Gene: RYR1 (ryanodine receptor 1; plus strand). Cytogenetic location: 19q13.2.
Variant type: single nucleotide variant.
Coding change: c.10306A>G on transcript NM_000540.3 (MANE Select); coding-DNA position 10306, A replaced by G.
Protein change: p.Arg3436Gly; replaces arginine 3436 with glycine.
Molecular consequence: missense variant.
Genome position (GRCh38, 1-based): chr19:38,523,074, A>G. VCF-style: chr19-38523074-A-G. GRCh37 (hg19) VCF-style: chr19-39013714-A-G.
Other names: c.10306A>G, p.Arg3436Gly (NM_001042723.2); short protein forms R3436G.
Identifiers: ClinVar variation 2507379 (VCV002507379.1), dbSNP rs1971293989, ClinGen allele CA405698785.